The following is an entry in ClinVar:

ClinVar aggregate classification (germline): Pathogenic (1 of 4 stars; one submission).

Conditions:
Neurofibromatosis, type 1 (NF1). Also called: NEUROFIBROMATOSIS, TYPE I, SOMATIC; VON RECKLINGHAUSEN DISEASE; Neurofibromatosis, type I; Peripheral type neurofibromatosis. Identifiers: Orphanet 636, MedGen C0027831, MONDO:0018975, OMIM 162200. Disease mechanism: loss of function.

Submission:

Labcorp Genetics (formerly Invitae), Labcorp
Classification: Pathogenic for Neurofibromatosis, type 1. Last evaluated: 2025-05-26. Review status: criteria provided, single submitter. Criteria: Invitae Variant Classification Sherloc (09022015). Collection method: clinical testing. Allele origin: germline.
Comment: This sequence change creates a premature translational stop signal (p.Lys2631Serfs*7) in the NF1 gene. It is expected to result in an absent or disrupted protein product. Loss-of-function variants in NF1 are known to be pathogenic (PMID: 10712197, 23913538). This variant is not present in population databases (gnomAD no frequency). This premature translational stop signal has been observed in individual(s) with neurofibromatosis type I (PMID: 16944272). Invitae Evidence Modeling of clinical and family history, age, sex, and reported ancestry of multiple individuals with this NF1 variant has been performed. This variant is expected to be pathogenic with a positive predictive value of at least 99%. This is a validated machine learning model that incorporates the clinical features of 1,785,918 individuals referred to our laboratory for NF1 testing. ClinVar contains an entry for this variant (Variation ID: 642977). For these reasons, this variant has been classified as Pathogenic.

Literature cited by the submitters: PubMed 10712197; PubMed 23913538; PubMed 16944272.

NM_001042492.3(NF1):c.7955_7956del (p.Lys2652fs)

Gene: NF1 (neurofibromin 1; plus strand). Cytogenetic location: 17q11.2.
Variant type: Deletion.
Coding change: c.7955_7956del on transcript NM_001042492.3 (MANE Select); coding-DNA positions 7955 to 7956, 2 bases deleted (AA; older notation c.7955_7956delAA).
Protein change: p.Lys2652fs; shifts the reading frame from lysine 2652.
Molecular consequence: frameshift variant.
Genome position (GRCh38, 1-based): chr17:31,357,354-31,357,355, AA deleted; deleting any 2 consecutive bases within chr17:31,357,353-31,357,355 gives the same sequence; the c. name uses the placement nearest the transcript's 3' end. VCF-style (leftmost placement, unchanged base first): chr17-31357352-CAA-C. GRCh37 (hg19) VCF-style: chr17-29684370-CAA-C.
Other names: c.7892_7893delAA (NM_000267.3); c.7892_7893delAA, p.Lys2631Serfs (NM_000267.4); short protein forms K2631fs, K2652fs.
Identifiers: ClinVar variation 642977 (VCV000642977.5), dbSNP rs1555536765, ClinGen allele CA915949916.